The following is an entry in ClinVar:

NM_001040108.2(MLH3):c.885G>T (p.Arg295=)

Gene: MLH3 (mutL homolog 3; minus strand). Cytogenetic location: 14q24.3.
Variant type: single nucleotide variant.
Coding change: c.885G>T on transcript NM_001040108.2 (MANE Select); coding-DNA position 885, G replaced by T.
Protein change: p.Arg295=; no amino-acid change (arginine 295 retained).
Molecular consequence: synonymous variant.
Genome position (GRCh38, 1-based): chr14:75,048,771, C>A on the plus strand (G>T on the coding strand, the complement: MLH3 is on the minus strand). VCF-style: chr14-75048771-C-A. GRCh37 (hg19) VCF-style: chr14-75515474-C-A.
Other names: c.885G>T, p.Arg295= (NM_014381.3).
Identifiers: ClinVar variation 1764921 (VCV001764921.5), dbSNP rs368352164, ClinGen allele CA7275951.

ClinVar aggregate classification (germline): Benign/Likely benign. Review status: criteria provided, multiple submitters, no conflicts (2 of 4 stars). 3 submissions from 3 submitters: Benign (1); Likely benign (2). Last evaluated 2026-04-29.

Conditions:
Colorectal cancer, hereditary nonpolyposis, type 7. Identifiers: Orphanet 144, MedGen C1858380, MONDO:0013725, OMIM 614385.

gnomAD v4.1: 9 of 1,614,044 alleles (0.00056%); highest among the groups gnomAD compares: Non-Finnish European, 0.00076%; no homozygotes.

Submissions (3):

Myriad Genetics, Inc.
Classification: Benign for Colorectal cancer, hereditary nonpolyposis, type 7. Last evaluated: 2026-04-29. Review status: criteria provided, single submitter. Criteria: Myriad Autosomal Dominant, Autosomal Recessive and X-Linked Classification Criteria (2023). Collection method: clinical testing. Allele origin: unknown.
Comment: This variant is considered benign. This variant is a silent/synonymous amino acid change and it is not expected to impact splicing.

Center for Genomic Medicine, Rigshospitalet, Copenhagen University Hospital
Classification: Likely benign. Last evaluated: 2025-03-04. Review status: criteria provided, single submitter. Criteria: ACMG Guidelines, 2015. Collection method: clinical testing. Allele origin: germline.

Ambry Genetics
Classification: Likely benign. Last evaluated: 2020-09-19. Review status: criteria provided, single submitter. Criteria: Ambry Variant Classification Scheme 2023. Collection method: clinical testing. Allele origin: germline.